The following is an entry in ClinVar:

NM_001130698.2(TRPC3):c.1660A>C (p.Ile554Leu)

Gene: TRPC3 (transient receptor potential cation channel subfamily C member 3; minus strand). Cytogenetic location: 4q27.
Variant type: single nucleotide variant.
Coding change: c.1660A>C on transcript NM_001130698.2 (MANE Select); coding-DNA position 1660, A replaced by C.
Protein change: p.Ile554Leu; replaces isoleucine 554 with leucine.
Molecular consequence: missense variant.
Genome position (GRCh38, 1-based): chr4:121,910,286, T>G on the plus strand (A>C on the coding strand, the complement: TRPC3 is on the minus strand). VCF-style: chr4-121910286-T-G. GRCh37 (hg19) VCF-style: chr4-122831441-T-G.
Other names: c.1660A>C, p.Ile554Leu (NM_001366479.2); c.1441A>C, p.Ile481Leu (NM_003305.2); short protein forms I554L, I481L.
Identifiers: ClinVar variation 3666230 (VCV003666230.2).

ClinVar aggregate classification (germline): Uncertain significance (1 of 4 stars; one submission).

Submission:

Labcorp Genetics (formerly Invitae), Labcorp
Classification: Uncertain significance. Last evaluated: 2024-11-17. Review status: criteria provided, single submitter. Criteria: Invitae Variant Classification Sherloc (09022015). Collection method: clinical testing. Allele origin: germline.
Comment: This sequence change replaces isoleucine, which is neutral and non-polar, with leucine, which is neutral and non-polar, at codon 554 of the TRPC3 protein (p.Ile554Leu). This variant is not present in population databases (gnomAD no frequency). This variant has not been reported in the literature in individuals affected with TRPC3-related conditions. Invitae Evidence Modeling of protein sequence and biophysical properties (such as structural, functional, and spatial information, amino acid conservation, physicochemical variation, residue mobility, and thermodynamic stability) indicates that this missense variant is not expected to disrupt TRPC3 protein function with a negative predictive value of 80%. In summary, the available evidence is currently insufficient to determine the role of this variant in disease. Therefore, it has been classified as a Variant of Uncertain Significance.